The following is an entry in ClinVar:

ClinVar aggregate classification (germline): Likely benign. Review status: reviewed by expert panel (3 of 4 stars). 7 submissions from 7 submitters: Likely benign (1). 6 of the submissions do not count toward it. Last evaluated 2017-06-29.

Conditions:
Hereditary cancer-predisposing syndrome. Also called: Tumor predisposition; Hereditary Cancer Syndrome; Hereditary neoplastic syndrome; Neoplastic Syndromes, Hereditary. Identifiers: Orphanet 140162, MedGen C0027672, MeSH D009386, MONDO:0015356.
Hereditary breast ovarian cancer syndrome. Also called: Hereditary breast and ovarian cancer; Breast and ovarian cancer; BRCA1- and BRCA2-Associated Hereditary Breast and Ovarian Cancer; Hereditary breast and ovarian cancer syndrome; Hereditary breast and ovarian cancer syndrome (HBOC); Hereditary breast and/or ovarian cancer syndrome. Identifiers: Orphanet 145, MedGen C0677776, MeSH D061325, MONDO:0003582. Disease mechanism: loss of function.
Breast-ovarian cancer, familial, susceptibility to, 2 (BROVCA2). Also called: BRCA2 Hereditary Breast and Ovarian Cancer. Identifiers: Orphanet 145, MedGen C2675520, MONDO:0012933, OMIM 612555. Disease mechanism: loss of function.

Allele frequency attached by ClinVar (database versions not stated): gnomAD 0.00001; TOPMed 0.00001.
gnomAD v4.1: 2 of 1,613,722 alleles (0.00012%); highest among the groups gnomAD compares: African/African-American, 0.0027%; no homozygotes.

Submissions (7):

Evidence-based Network for the Interpretation of Germline Mutant Alleles (ENIGMA)
Classification: Likely benign for Breast-ovarian cancer, familial, susceptibility to, 2. Last evaluated: 2017-06-29. Review status: reviewed by expert panel. Criteria: ENIGMA BRCA1/2 Classification Criteria (2017-06-29). Collection method: curation. Allele origin: germline.
Comment: Synonymous substitution variant, with low bioinformatic likelihood to result in a splicing aberration (Splicing prior probability 0.02).

Quest Diagnostics Nichols Institute San Juan Capistrano
Classification: Likely benign. Last evaluated: 2025-09-08. Review status: criteria provided, single submitter. Criteria: Quest Diagnostics criteria. Collection method: clinical testing. Allele origin: unknown. Not counted in ClinVar's aggregate classification.

All of Us Research Program, National Institutes of Health
Classification: Likely benign for Breast-ovarian cancer, familial, susceptibility to, 2. Last evaluated: 2023-06-28. Review status: criteria provided, single submitter. Criteria: ACMG Guidelines, 2015. Collection method: clinical testing. Allele origin: germline. Inheritance: Autosomal dominant inheritance. Observed: 1 variant allele, 1 heterozygote. Not counted in ClinVar's aggregate classification.
Comment: This study involves interpretation of variants in research participants for the purpose of population health screening. Participant phenotype was not available at the time of variant classification. Additional details can be found in publication PMID: 35346344, PMCID: PMC8962531

Labcorp Genetics (formerly Invitae), Labcorp
Classification: Likely benign for Hereditary breast ovarian cancer syndrome. Last evaluated: 2023-05-22. Review status: criteria provided, single submitter. Criteria: Invitae Variant Classification Sherloc (09022015). Collection method: clinical testing. Allele origin: germline. Not counted in ClinVar's aggregate classification.

Ambry Genetics
Classification: Likely benign for Hereditary cancer-predisposing syndrome. Last evaluated: 2022-07-26. Review status: criteria provided, single submitter. Criteria: Ambry Variant Classification Scheme 2023. Collection method: clinical testing. Allele origin: germline. Not counted in ClinVar's aggregate classification.

Women's Health and Genetics/Laboratory Corporation of America, LabCorp
Classification: Likely benign. Last evaluated: 2022-03-13. Review status: criteria provided, single submitter. Criteria: LabCorp Variant Classification Summary - May 2015. Collection method: clinical testing. Allele origin: germline. Not counted in ClinVar's aggregate classification.

GeneDx
Classification: Likely benign. Last evaluated: 2018-08-13. Review status: criteria provided, single submitter. Criteria: GeneDx Variant Classification Process June 2021. Collection method: clinical testing. Allele origin: germline. Affected: yes. Not counted in ClinVar's aggregate classification.

Literature cited by the submitters: PubMed 39779848 (cited by Quest Diagnostics Nichols Institute San Juan Capistrano); PubMed 20104584 (cited by Quest Diagnostics Nichols Institute San Juan Capistrano).

NM_000059.4(BRCA2):c.9301C>T (p.Leu3101=)

Gene: BRCA2 (BRCA2 DNA repair associated; plus strand). Cytogenetic location: 13q13.1.
Variant type: single nucleotide variant.
Coding change: c.9301C>T on transcript NM_000059.4 (MANE Select); coding-DNA position 9301, C replaced by T.
Protein change: p.Leu3101=; no amino-acid change (leucine 3101 retained).
Molecular consequence: synonymous variant.
Genome position (GRCh38, 1-based): chr13:32,394,733, C>T. VCF-style: chr13-32394733-C-T. GRCh37 (hg19) VCF-style: chr13-32968870-C-T.
Identifiers: ClinVar variation 236930 (VCV000236930.21), dbSNP rs80359202, ClinGen allele CA10583153.